The following is an entry in ClinVar:

ClinVar aggregate classification (germline): Uncertain significance (1 of 4 stars; one submission).

Conditions:
Intellectual developmental disorder with gastrointestinal difficulties and high pain threshold (JDVS). Also called: JANSEN-DE VRIES SYNDROME. Identifiers: Orphanet 653767, MedGen C4479517, MONDO:0044318, OMIM 617450.

Submission:

Institute of Human Genetics, University of Leipzig Medical Center
Classification: Uncertain significance for Intellectual developmental disorder with gastrointestinal difficulties and high pain threshold. Last evaluated: 2021-07-28. Review status: criteria provided, single submitter. Criteria: ACMG Guidelines, 2015. Collection method: clinical testing. Allele origin: unknown. Affected: yes.
Comment: Criteria applied: PVS1_SUP, PM2_SUP, BS2_MOD, BP5

NM_003620.4(PPM1D):c.1728del (p.Lys577fs)

Gene: PPM1D (protein phosphatase, Mg2+/Mn2+ dependent 1D; plus strand). Cytogenetic location: 17q23.2.
Variant type: Deletion.
Coding change: c.1728del on transcript NM_003620.4 (MANE Select); coding-DNA position 1728, one base deleted (T; older notation c.1728delT).
Protein change: p.Lys577fs; shifts the reading frame from lysine 577.
Molecular consequence: frameshift variant.
Genome position (GRCh38, 1-based): chr17:60,663,462, T deleted; the last of 2 consecutive T bases (chr17:60,663,461-60,663,462); deleting either gives the same sequence. VCF-style (leftmost placement, unchanged base first): chr17-60663460-GT-G. GRCh37 (hg19) VCF-style: chr17-58740821-GT-G.
Other names: short protein forms K577fs.
Identifiers: ClinVar variation 3068489 (VCV003068489.2), dbSNP rs2143733522, ClinGen allele CA2825002572.